The following is an entry in ClinVar:

NM_152564.5(VPS13B):c.10039C>T (p.Pro3347Ser)

Gene: VPS13B (vacuolar protein sorting 13 homolog B; plus strand). Cytogenetic location: 8q22.2.
Variant type: single nucleotide variant.
Coding change: c.10039C>T on transcript NM_152564.5 (MANE Select); coding-DNA position 10039, C replaced by T.
Protein change: p.Pro3347Ser; replaces proline 3347 with serine.
Molecular consequence: missense variant.
Genome position (GRCh38, 1-based): chr8:99,848,872, C>T. VCF-style: chr8-99848872-C-T. GRCh37 (hg19) VCF-style: chr8-100861100-C-T.
Other names: c.10114C>T, p.Pro3372Ser (NM_017890.5); short protein forms P3372S, P3347S.
Identifiers: ClinVar variation 2100179 (VCV002100179.1), dbSNP rs1816115151, ClinGen allele CA371779872.

ClinVar aggregate classification (germline): Uncertain significance (1 of 4 stars; one submission).

Conditions:
Cohen syndrome (COH1). Also called: Cutis verticis gyrata, retinitis pigmentosa, and sensorineural deafness; PEPPER SYNDROME. Identifiers: Orphanet 193, MedGen C0265223, MONDO:0008999, OMIM 216550.

Allele frequency attached by ClinVar (database versions not stated): gnomAD 0.00001.
gnomAD v4.1: 1 of 1,613,994 alleles (0.000062%); highest among the groups gnomAD compares: Admixed American, 0.0017%; no homozygotes.

Submission:

Labcorp Genetics (formerly Invitae), Labcorp
Classification: Uncertain significance for Cohen syndrome. Last evaluated: 2022-10-17. Review status: criteria provided, single submitter. Criteria: Invitae Variant Classification Sherloc (09022015). Collection method: clinical testing. Allele origin: germline.
Comment: This sequence change replaces proline, which is neutral and non-polar, with serine, which is neutral and polar, at codon 3372 of the VPS13B protein (p.Pro3372Ser). This variant is not present in population databases (gnomAD no frequency). This variant has not been reported in the literature in individuals affected with VPS13B-related conditions. Advanced modeling of protein sequence and biophysical properties (such as structural, functional, and spatial information, amino acid conservation, physicochemical variation, residue mobility, and thermodynamic stability) performed at Invitae indicates that this missense variant is not expected to disrupt VPS13B protein function. In summary, the available evidence is currently insufficient to determine the role of this variant in disease. Therefore, it has been classified as a Variant of Uncertain Significance.